The following is an entry in ClinVar:

ClinVar aggregate classification (germline): Uncertain significance. Review status: criteria provided, multiple submitters, no conflicts (2 of 4 stars). 2 submissions from 2 submitters: Uncertain significance (2). Last evaluated 2025-04-03.

Conditions:
Inborn genetic diseases. Identifiers: MedGen C0950123, MeSH D030342.
Salla disease (SD). Also called: Less Severe FSASD (Salla Disease); Sialuria, Finnish type; N-acetylneuraminic acid (NANA) storage disease (NSD); Infantile sialic acid storage disorder (ISSD). Identifiers: Orphanet 309334, Orphanet 834, MedGen C1096903, MONDO:0011449, OMIM 604369.

Allele frequency attached by ClinVar (database versions not stated): TOPMed below 0.00001; gnomAD 0.00001.
gnomAD v4.1: 2 of 1,613,416 alleles (0.00012%); highest among the groups gnomAD compares: Admixed American, 0.0033%; no homozygotes.

Submissions (2):

Ambry Genetics
Classification: Uncertain significance for Inborn genetic diseases. Last evaluated: 2025-04-03. Review status: criteria provided, single submitter. Criteria: Ambry Variant Classification Scheme 2023. Collection method: clinical testing. Allele origin: germline.

Labcorp Genetics (formerly Invitae), Labcorp
Classification: Uncertain significance for Salla disease. Last evaluated: 2022-10-14. Review status: criteria provided, single submitter. Criteria: Invitae Variant Classification Sherloc (09022015). Collection method: clinical testing. Allele origin: germline.
Comment: This sequence change replaces alanine, which is neutral and non-polar, with proline, which is neutral and non-polar, at codon 169 of the SLC17A5 protein (p.Ala169Pro). This variant is present in population databases (no rsID available, gnomAD 0.003%). This variant has not been reported in the literature in individuals affected with SLC17A5-related conditions. Advanced modeling of protein sequence and biophysical properties (such as structural, functional, and spatial information, amino acid conservation, physicochemical variation, residue mobility, and thermodynamic stability) performed at Invitae indicates that this missense variant is expected to disrupt SLC17A5 protein function. In summary, the available evidence is currently insufficient to determine the role of this variant in disease. Therefore, it has been classified as a Variant of Uncertain Significance.

NM_012434.5(SLC17A5):c.505G>C (p.Ala169Pro)

Gene: SLC17A5 (solute carrier family 17 member 5; minus strand). Cytogenetic location: 6q13.
Variant type: single nucleotide variant.
Coding change: c.505G>C on transcript NM_012434.5 (MANE Select); coding-DNA position 505, G replaced by C.
Protein change: p.Ala169Pro; replaces alanine 169 with proline.
Molecular consequence: missense variant.
Genome position (GRCh38, 1-based): chr6:73,641,711, C>G on the plus strand (G>C on the coding strand, the complement: SLC17A5 is on the minus strand). VCF-style: chr6-73641711-C-G. GRCh37 (hg19) VCF-style: chr6-74351434-C-G.
Other names: c.274G>C, p.Ala92Pro (NM_001382629.1, NM_001382636.1); c.505G>C, p.Ala169Pro (NM_001382630.1, NM_001382632.1, NM_001382633.1 and 2 more transcripts); c.526G>C, p.Ala176Pro (NM_001382631.1); c.505G>C (NM_012434.4); short protein forms A176P, A92P, A169P.
Identifiers: ClinVar variation 2157871 (VCV002157871.2), dbSNP rs1483240831, ClinGen allele CA364717883.